The following is an entry in ClinVar:

NM_006939.4(SOS2):c.2057+40TA[6]

Gene: SOS2 (SOS Ras/Rho guanine nucleotide exchange factor 2; minus strand). Cytogenetic location: 14q21.3.
Variant type: Microsatellite.
Coding change: c.2057+40TA[6] on transcript NM_006939.4 (MANE Select); six copies in a row of the 2-base unit TA starting at c.2057+40; the reference has four copies in a row; two copies, 4 bases duplicated.
Molecular consequence: intron variant.
Genome position (GRCh38, 1-based): chr14:50,156,952-50,156,955, TATA duplicated on the plus strand (TATA on the coding strand, the reverse complement: SOS2 is on the minus strand); duplicating any 4 consecutive bases within chr14:50,156,952-50,156,960 gives the same sequence; the position shown is the placement nearest the transcript's 3' end. VCF-style (leftmost placement, unchanged base first): chr14-50156951-G-GTATA. GRCh37 (hg19) VCF-style: chr14-50623669-G-GTATA.
Other names: c.1958+40TA[6] (NM_001411020.1).
Identifiers: ClinVar variation 2644225 (VCV002644225.24), dbSNP rs111550293, ClinGen allele CA7177159.
Genomic context (GRCh38, chr14:50,156,951, plus strand): 5'-GCTGAGAGCTTTTGTGTTAACTATATATTGAAAACTGACACATAAAATGTGTGTGTGTGT[G>GTATA]TATATATATGTGTATATATATATATATAAAAAATATTCAAGCCAAACCTAAGTTGTACTG-3'

ClinVar aggregate classification (germline): Benign (1 of 4 stars; one submission).

Submission:

CeGaT Center for Human Genetics Tuebingen
Classification: Benign. Last evaluated: 2023-07-01. Review status: criteria provided, single submitter. Criteria: CeGaT Center For Human Genetics Tuebingen Variant Classification Criteria Version 2. Collection method: clinical testing. Allele origin: germline. Affected: yes. Observed: 2 variant alleles.
Comment: SOS2: BS1, BS2